The following is an entry in ClinVar:

NM_173660.5(DOK7):c.1388A>G (p.Glu463Gly)

Gene: DOK7 (docking protein 7; plus strand). Cytogenetic location: 4p16.3.
Variant type: single nucleotide variant.
Coding change: c.1388A>G on transcript NM_173660.5 (MANE Select); coding-DNA position 1388, A replaced by G.
Protein change: p.Glu463Gly; replaces glutamic acid 463 with glycine.
Molecular consequence: missense variant. On other transcripts: 3 prime UTR variant (1).
Genome position (GRCh38, 1-based): chr4:3,493,374, A>G. VCF-style: chr4-3493374-A-G. GRCh37 (hg19) VCF-style: chr4-3495101-A-G.
Other names: c.*609A>G (NM_001164673.2); c.458A>G, p.Glu153Gly (NM_001256896.2); c.1388A>G, p.Glu463Gly (NM_001301071.2); c.956A>G, p.Glu319Gly (NM_001363811.2); short protein forms E153G, E319G, E463G.
Identifiers: ClinVar variation 666132 (VCV000666132.19), dbSNP rs769974159, ClinGen allele CA2829498.

ClinVar aggregate classification (germline): Uncertain significance. Review status: criteria provided, multiple submitters, no conflicts (2 of 4 stars). 5 submissions from 5 submitters: Uncertain significance (5). Last evaluated 2026-03-27.

Conditions:
Fetal akinesia deformation sequence 1 (FADS1). Also called: Pena-Shokeir syndrome type I; Fetal akinesia sequence. Identifiers: Orphanet 994, MedGen C1276035, MONDO:0100101, OMIM 208150, HP:0001989.
Congenital myasthenic syndrome 10. Also called: Myasthenia, limb-girdle, familial. Identifiers: Orphanet 590, MedGen C1850792, MONDO:0009690, OMIM 254300.
Inborn genetic diseases. Identifiers: MedGen C0950123, MeSH D030342.

Allele frequency attached by ClinVar (database versions not stated): TOPMed 0.00008; gnomAD exomes 0.00017 and 0.00002; ExAC 0.00003; gnomAD 0.00007 and 0.00008.
gnomAD v4.1: 276 of 1,596,034 alleles (0.017%); highest among the groups gnomAD compares: Non-Finnish European, 0.021%; no homozygotes.

Submissions (5):

GeneDx
Classification: Uncertain significance. Last evaluated: 2026-03-27. Review status: criteria provided, single submitter. Criteria: GeneDx Variant Classification Process June 2021. Collection method: clinical testing. Allele origin: germline.
Comment: Not observed at significant frequency in large population cohorts (gnomAD); In silico analysis supports that this missense variant has a deleterious effect on protein structure/function; Has not been previously published as pathogenic or benign to our knowledge

Ambry Genetics
Classification: Uncertain significance for Inborn genetic diseases. Last evaluated: 2023-08-08. Review status: criteria provided, single submitter. Criteria: Ambry Variant Classification Scheme 2023. Collection method: clinical testing. Allele origin: germline.

Labcorp Genetics (formerly Invitae), Labcorp
Classification: Uncertain significance for Congenital myasthenic syndrome 10; Fetal akinesia deformation sequence 1. Last evaluated: 2022-05-21. Review status: criteria provided, single submitter. Criteria: Invitae Variant Classification Sherloc (09022015). Collection method: clinical testing. Allele origin: germline.
Comment: This sequence change replaces glutamic acid, which is acidic and polar, with glycine, which is neutral and non-polar, at codon 463 of the DOK7 protein (p.Glu463Gly). This variant is present in population databases (rs769974159, gnomAD 0.006%). This variant has not been reported in the literature in individuals affected with DOK7-related conditions. ClinVar contains an entry for this variant (Variation ID: 666132). Algorithms developed to predict the effect of missense changes on protein structure and function output the following: SIFT: "Deleterious"; PolyPhen-2: "Benign"; Align-GVGD: "Class C0". The glycine amino acid residue is found in multiple mammalian species, which suggests that this missense change does not adversely affect protein function. In summary, the available evidence is currently insufficient to determine the role of this variant in disease. Therefore, it has been classified as a Variant of Uncertain Significance.

Mayo Clinic Laboratories, Mayo Clinic
Classification: Uncertain significance. Last evaluated: 2019-07-28. Review status: criteria provided, single submitter. Criteria: ACMG Guidelines, 2015. Collection method: clinical testing. Allele origin: germline.

Revvity Omics, Revvity
Classification: Uncertain significance. Last evaluated: 2019-07-03. Review status: criteria provided, single submitter. Criteria: ACMG Guidelines, 2015. Collection method: clinical testing. Allele origin: germline.